The following is an entry in ClinVar:

NM_001384732.1(CPLANE1):c.424G>A (p.Glu142Lys)

Gene: CPLANE1 (ciliogenesis and planar polarity effector complex subunit 1; minus strand). Cytogenetic location: 5p13.2.
Variant type: single nucleotide variant.
Coding change: c.424G>A on transcript NM_001384732.1 (MANE Select); coding-DNA position 424, G replaced by A.
Protein change: p.Glu142Lys; replaces glutamic acid 142 with lysine.
Molecular consequence: missense variant.
Genome position (GRCh38, 1-based): chr5:37,244,521, C>T on the plus strand (G>A on the coding strand, the complement: CPLANE1 is on the minus strand). VCF-style: chr5-37244521-C-T. GRCh37 (hg19) VCF-style: chr5-37244623-C-T.
Other names: p.Glu142Lys; c.424G>A, p.Glu142Lys (NM_023073.4); short protein forms E142K.
Identifiers: ClinVar variation 217592 (VCV000217592.28), dbSNP rs756856188, ClinGen allele CA277763.

ClinVar aggregate classification (germline): Pathogenic/Likely pathogenic. Review status: criteria provided, multiple submitters, no conflicts (2 of 4 stars). 13 submissions from 13 submitters: Pathogenic (6); Likely pathogenic (4). 3 of the submissions do not count toward it. Last evaluated 2026-01-06.

Conditions:
CPLANE1-related disorder. Also called: CPLANE1-related condition.
C5ORF42 & CPLANE1-related disorders.
Orofaciodigital syndrome type 6 (OFD6). Also called: Central polydactyly cleft lip/palate or lingual lump and psychomotor retardation; Y-shaped central metacarpal and cerebellar defect; Joubert syndrome with orofacialdigital anomalies; OROFACIODIGITAL SYNDROME VI; OFDS VI; POLYDACTYLY, CLEFT LIP/PALATE OR LINGUAL LUMP, AND PSYCHOMOTOR RETARDATION. Identifiers: Orphanet 2754, MedGen C2745997, MONDO:0010176, OMIM 277170.
Joubert syndrome 17 (JBTS17). Identifiers: Orphanet 475, MedGen C3553264, MONDO:0013824, OMIM 614615.
Joubert syndrome and related disorders. Identifiers: Orphanet 140874, MedGen C5679612, MONDO:0015369.
Nephronophthisis. Also called: Juvenile Nephronophthisis. Identifiers: Orphanet 655, MedGen C0687120, MONDO:0019005, HP:0000090.

Allele frequency attached by ClinVar (database versions not stated): ExAC 0.00009; gnomAD exomes 0.00012 and 0.00027; gnomAD 0.00013 and 0.00014; TOPMed 0.00016.
gnomAD v4.1: 400 of 1,551,530 alleles (0.026%); highest among the groups gnomAD compares: Non-Finnish European, 0.033%; 1 homozygote.

Submissions (13):

Labcorp Genetics (formerly Invitae), Labcorp
Classification: Pathogenic. Last evaluated: 2026-01-06. Review status: criteria provided, single submitter. Criteria: Invitae Variant Classification Sherloc (09022015). Collection method: clinical testing. Allele origin: germline.
Comment: This sequence change replaces glutamic acid, which is acidic and polar, with lysine, which is basic and polar, at codon 142 of the CPLANE1 protein (p.Glu142Lys). This variant is present in population databases (rs756856188, gnomAD 0.03%). This missense change has been observed in individual(s) with Joubert syndrome (PMID: 26092869). This variant is also known as C5ORF42 p.Glu142Lys. ClinVar contains an entry for this variant (Variation ID: 217592). Invitae Evidence Modeling of protein sequence and biophysical properties (such as structural, functional, and spatial information, amino acid conservation, physicochemical variation, residue mobility, and thermodynamic stability) has been performed for this missense variant. However, the output from this modeling did not meet the statistical confidence thresholds required to predict the impact of this variant on CPLANE1 protein function. For these reasons, this variant has been classified as Pathogenic.

Clinical Genetics and Genomics, Karolinska University Hospital
Classification: Pathogenic for Joubert syndrome 17. Last evaluated: 2025-10-15. Review status: criteria provided, single submitter. Criteria: ACMG Guidelines, 2015. Collection method: clinical testing. Allele origin: germline. Inheritance: Autosomal recessive inheritance. Affected: yes.

GeneDx
Classification: Pathogenic. Last evaluated: 2025-04-13. Review status: criteria provided, single submitter. Criteria: GeneDx Variant Classification Process June 2021. Collection method: clinical testing. Allele origin: germline. Affected: yes.
Comment: In silico analysis supports that this missense variant has a deleterious effect on protein structure/function; This variant is associated with the following publications: (PMID: 26092869)

Victorian Clinical Genetics Services, Murdoch Childrens Research Institute
Classification: Pathogenic for Joubert syndrome 17. Last evaluated: 2024-10-09. Review status: criteria provided, single submitter. Criteria: ACMG Guidelines, 2015. Collection method: clinical testing. Allele origin: germline. Inheritance: Autosomal recessive inheritance. Affected: yes.
Comment: Based on the classification scheme VCGS_Germline_v1.3.4, this variant is classified as Pathogenic. Following criteria are met: 0102 - Loss of function is a known mechanism of disease in this gene and is associated with Joubert syndrome 17 (MIM#614615) and orofaciodigital syndrome VI (MIM#277170) (OMIM). (I) 0106 - This gene is associated with autosomal recessive disease. (I) 0200 - Variant is predicted to result in a missense amino acid change from glutamic acid to lysine. (I) 0251 - This variant is heterozygous. (I) 0304 - Variant is present in gnomAD (v2) <0.01 for a recessive condition (26 heterozygotes, 0 homozygotes). (SP) 0502 - Missense variant with conflicting in silico predictions and high conservation. (I) 0604 - Variant is not located in an established domain, motif, hotspot or informative constraint region. (I) 0705 - No comparable missense variants have previous evidence for pathogenicity. (I) 0801 - This variant has strong previous evidence of pathogenicity in unrelated individuals. This variant has been classified as likely pathogenic and pathogenic by multiple clinical laboratories in ClinVar, as well as older VUS entries. This variant has also been observed in two unrelated individuals with a second CPLANE1 variant with Joubert syndrome (PMID: 26092869). (SP) 1201 - Heterozygous variant detected in trans with a second pathogenic heterozygous variant (NM_023073.3:c.493del; p.(Ile165Tyrfs*17)) in a recessive disease. (I)

Mayo Clinic Laboratories, Mayo Clinic
Classification: Likely pathogenic. Last evaluated: 2024-07-24. Review status: criteria provided, single submitter. Criteria: ACMG Guidelines, 2015. Collection method: clinical testing. Allele origin: germline. Observed: 1 variant allele.
Comment: PM2, PM3_strong, PS4_moderate

Fulgent Genetics
Classification: Likely pathogenic for Orofaciodigital syndrome type 6; Joubert syndrome 17. Last evaluated: 2024-06-25. Review status: criteria provided, single submitter. Criteria: ACMG Guidelines, 2015. Collection method: clinical testing. Allele origin: germline.

Blueprint Genetics
Classification: Pathogenic for C5ORF42 & CPLANE1-related disorders. Last evaluated: 2023-12-22. Review status: criteria provided, single submitter. Criteria: ACMG Guidelines, 2015. Collection method: clinical testing. Allele origin: germline. Affected: yes. Observed: 5 variant alleles.

Women's Health and Genetics/Laboratory Corporation of America, LabCorp
Classification: Likely pathogenic for Joubert syndrome and related disorders. Last evaluated: 2023-08-09. Review status: criteria provided, single submitter. Criteria: LabCorp Variant Classification Summary - May 2015. Collection method: clinical testing. Allele origin: germline.
Comment: Variant summary: CPLANE1 c.424G>A (p.Glu142Lys) results in a conservative amino acid change in the encoded protein sequence. Three of five in-silico tools predict a damaging effect of the variant on protein function. The variant allele was found at a frequency of 0.00014 in 188926 control chromosomes (gnomAD). This frequency is not significantly higher than estimated for a pathogenic variant in CPLANE1 causing Joubert Syndrome And Related Disorders (0.00014 vs 0.0015), allowing no conclusion about variant significance. c.424G>A has been reported in the literature in individuals affected with Joubert Syndrome who were compound heterozygous with pathogenic variants (Bachmann-Gagescu_2015). These data indicate that the variant is likely to be associated with disease. To our knowledge, no experimental evidence demonstrating an impact on protein function has been reported. The following publication has been ascertained in the context of this evaluation (PMID: 26092869). Six submitters have cited clinical-significance assessments for this variant to ClinVar after 2014, and classified it as pathogenic (n=1), likely pathogenic (n=2), or uncertain significance (n=2). Based on the evidence outlined above, the variant was classified as likely pathogenic.

Johns Hopkins Genomics, Johns Hopkins University
Classification: Likely pathogenic for Joubert syndrome 17. Last evaluated: 2020-10-27. Review status: criteria provided, single submitter. Criteria: ACMG Guidelines, 2015. Collection method: clinical testing. Allele origin: germline.
Comment: This CPLANE1 variant (rs756856188) is rare (<0.1%) in a large population dataset (26/188926 total alleles; 0.014%; no homozygotes) and has an entry in ClinVar. This variant has been reported previously in a compound heterozygous state in multiple unrelated individuals affected with JS. Three bioinformatics tools predict this variant would be damaging, and the glutamate residue at this position is strongly conserved across all species assessed. This variant is not predicted to affect normal exon 5 splicing, although this has not been confirmed experimentally to our knowledge. We consider c.424G>A to be likely pathogenic.

UW Hindbrain Malformation Research Program, University of Washington
Classification: Pathogenic for Joubert syndrome 17. Last evaluated: 2015-02-23. Review status: criteria provided, single submitter. Criteria: Bachmann-Gagescu et al. (J Med Genet. 2015). Collection method: research. Allele origin: unknown. Affected: yes.

PreventionGenetics, part of Exact Sciences
Classification: Pathogenic for CPLANE1-related condition. Last evaluated: 2024-02-21. Review status: no assertion criteria provided. Collection method: clinical testing. Allele origin: germline. Not counted in ClinVar's aggregate classification.
Comment: The CPLANE1 c.424G>A variant is predicted to result in the amino acid substitution p.Glu142Lys. This variant was reported, along with a protein-truncating variant in the same gene, in two individuals with Joubert syndrome (Bachmann-Gagescu et al. 2015. PubMed ID: 26092869). Internally, this variant was seen, in addition to a heterozygous protein-truncating variant, in two individuals who came in for testing for suspected Joubert syndrome (PreventionGenetics, internal data). This variant is reported in 0.031% of alleles in individuals of European (Non-Finnish) descent in gnomAD. This variant is interpreted as pathogenic.

Sydney Genome Diagnostics, Children's Hospital Westmead
Classification: Uncertain significance for Nephronophthisis. Last evaluated: 2018-05-31. Review status: no assertion criteria provided. Collection method: clinical testing. Allele origin: unknown. Affected: yes. Observed: 1 variant allele, 1 compound heterozygote. Not counted in ClinVar's aggregate classification.
Comment: This variant (dbSNP: rs756856188) has been previously reported in the ExAC database with a very low allele frequency of 0.009% (2/22076 alleles). c.424G>A (p.Glu142Lys) has also been reported as a compound heterozygous variant in a patient with Joubert syndrome (Bachmann-Gagescu et al. J.Med. Genet 2015; 52:514-522). In silico analysis (Alamut Visual v2.8) using PolyPhen2, SIFT and Mutation Taster all predict that this variant is likely to be pathogenic.

Genetic Services Laboratory, University of Chicago
Classification: Uncertain significance. Last evaluated: 2016-09-23. Review status: flagged submission. Criteria: ACMG Guidelines, 2015. Collection method: clinical testing. Allele origin: germline. Affected: no. Not counted in ClinVar's aggregate classification.
ClinVar note: Reason: Outlier claim with insufficient supporting evidence

Literature cited by the submitters: PubMed 26092869 (cited by 5 submitters); PubMed 22425360 (cited by Johns Hopkins Genomics, Johns Hopkins University); PubMed 28087721 (cited by Johns Hopkins Genomics, Johns Hopkins University); PubMed 28125082 (cited by Johns Hopkins Genomics, Johns Hopkins University); PubMed 28431631 (cited by Johns Hopkins Genomics, Johns Hopkins University).